The following is an entry in ClinVar:

NM_000071.3(CBS):c.152G>A (p.Arg51Lys)

Gene: CBS (cystathionine beta-synthase; minus strand). Cytogenetic location: 21q22.3.
Variant type: single nucleotide variant.
Coding change: c.152G>A on transcript NM_000071.3 (MANE Select); coding-DNA position 152, G replaced by A.
Protein change: p.Arg51Lys; replaces arginine 51 with lysine.
Molecular consequence: missense variant.
Genome position (GRCh38, 1-based): chr21:43,072,042, C>T on the plus strand (G>A on the coding strand, the complement: CBS is on the minus strand). VCF-style: chr21-43072042-C-T. GRCh37 (hg19) VCF-style: chr21-44492152-C-T.
Other names: c.152G>A, p.Arg51Lys (NM_001178008.3, NM_001178009.3, NM_001320298.2); short protein forms R51K.
Identifiers: ClinVar variation 420469 (VCV000420469.16), dbSNP rs370983323, ClinGen allele CA16621017.

ClinVar aggregate classification (germline): Uncertain significance. Review status: criteria provided, multiple submitters, no conflicts (2 of 4 stars). 4 submissions from 4 submitters: Uncertain significance (3). 1 of the submissions does not count toward it. Last evaluated 2024-01-22.

Conditions:
HYPERHOMOCYSTEINEMIA, THROMBOTIC, CBS-RELATED. Identifiers: MedGen C3150344, OMIM 236200.
Classic homocystinuria. Also called: Homocystinuria due to Cystathionine Beta-Synthase Deficiency; Homocystinuria due to CBS deficiency; Cystathionine beta-synthase deficiency; CBS deficiency; HOMOCYSTINURIA WITH OR WITHOUT RESPONSE TO PYRIDOXINE. Identifiers: Orphanet 394, MedGen C0751202, MONDO:0009352, OMIM 236200.
Familial thoracic aortic aneurysm and aortic dissection (TAAD). Also called: Thoracic aortic aneurysms and dissections. Identifiers: Orphanet 91387, MedGen C4707243, MONDO:0019625.

Allele frequency attached by ClinVar (database versions not stated): gnomAD exomes 0.00001; ExAC 0.00002; gnomAD 0.00003; ESP Exome Variant Server 0.00008.

Submissions (4):

Labcorp Genetics (formerly Invitae), Labcorp
Classification: Uncertain significance for HYPERHOMOCYSTEINEMIA, THROMBOTIC, CBS-RELATED. Last evaluated: 2024-01-22. Review status: criteria provided, single submitter. Criteria: Invitae Variant Classification Sherloc (09022015). Collection method: clinical testing. Allele origin: germline.
Comment: This sequence change replaces arginine, which is basic and polar, with lysine, which is basic and polar, at codon 51 of the CBS protein (p.Arg51Lys). This variant is present in population databases (rs370983323, gnomAD 0.01%). This variant has not been reported in the literature in individuals affected with CBS-related conditions. ClinVar contains an entry for this variant (Variation ID: 420469). Algorithms developed to predict the effect of missense changes on protein structure and function output the following: SIFT: "Not Available"; PolyPhen-2: "Benign"; Align-GVGD: "Not Available". The lysine amino acid residue is found in multiple mammalian species, which suggests that this missense change does not adversely affect protein function. In summary, the available evidence is currently insufficient to determine the role of this variant in disease. Therefore, it has been classified as a Variant of Uncertain Significance.

Ambry Genetics
Classification: Uncertain significance for Familial thoracic aortic aneurysm and aortic dissection. Last evaluated: 2018-11-17. Review status: criteria provided, single submitter. Criteria: Ambry Variant Classification Scheme 2023. Collection method: clinical testing. Allele origin: germline.
Comment: The p.R51K variant (also known as c.152G>A), located in coding exon 1 of the CBS gene, results from a G to A substitution at nucleotide position 152. The arginine at codon 51 is replaced by lysine, an amino acid with highly similar properties. This amino acid position is not well conserved in available vertebrate species, and lysine is the reference amino acid in other vertebrate species. In addition, the in silico prediction for this alteration is inconclusive. Since supporting evidence is limited at this time, the clinical significance of this alteration remains unclear.

GeneDx
Classification: Uncertain significance. Last evaluated: 2016-02-10. Review status: criteria provided, single submitter. Criteria: GeneDx Variant Classification (06012015). Collection method: clinical testing. Allele origin: germline. Affected: yes.
Comment: A variant of uncertain significance has been identified in the CBS gene. The R51K variant has not been published as a pathogenic variant, nor has it been reported as a benign variant to our knowledge. The R51K variant was not observed with any significant frequency in approximately 6,500 individuals of European and African American ancestry in the NHLBI Exome Sequencing Project. However, the R51K variant is a conservative amino acid substitution, which is not likely to impact secondary protein structure as these residues share similar properties. This substitution occurs at a position where amino acids with similar properties to Arginine are tolerated across species. Finally, in silico analysis is inconsistent in its predictions as to whether or not the variant is damaging to the protein structure/function.

Natera, Inc.
Classification: Uncertain significance for Homocystinuria due to cystathionine beta-synthase deficiency. Last evaluated: 2020-10-14. Review status: no assertion criteria provided. Collection method: clinical testing. Allele origin: germline. Not counted in ClinVar's aggregate classification.